The following is an entry in ClinVar:

ClinVar aggregate classification (germline): Uncertain significance (1 of 4 stars; one submission).

gnomAD v4.1: 1 of 1,209,106 alleles (0.000083%); highest among the groups gnomAD compares: Non-Finnish European, 0.00011%; no homozygotes.

Submission:

GeneDx
Classification: Uncertain significance. Last evaluated: 2023-12-11. Review status: criteria provided, single submitter. Criteria: GeneDx Variant Classification Process June 2021. Collection method: clinical testing. Allele origin: germline. Affected: yes.
Comment: Not observed at significant frequency in large population cohorts (gnomAD); In silico analysis supports that this missense variant does not alter protein structure/function; Has not been previously published as pathogenic or benign to our knowledge

NM_001111125.3(IQSEC2):c.1933C>T (p.His645Tyr)

Gene: IQSEC2 (IQ motif and Sec7 domain ArfGEF 2; minus strand). Cytogenetic location: Xp11.22.
Variant type: single nucleotide variant.
Coding change: c.1933C>T on transcript NM_001111125.3 (MANE Select); coding-DNA position 1933, C replaced by T.
Protein change: p.His645Tyr; replaces histidine 645 with tyrosine.
Molecular consequence: missense variant.
Genome position (GRCh38, 1-based): chrX:53,250,643, G>A on the plus strand (C>T on the coding strand, the complement: IQSEC2 is on the minus strand). VCF-style: chrX-53250643-G-A. GRCh37 (hg19) VCF-style: chrX-53279825-G-A.
Other names: c.1933C>T, p.His645Tyr (NM_001410736.1); c.1318C>T, p.His440Tyr (NM_015075.2); short protein forms H440Y, H645Y.
Identifiers: ClinVar variation 3365394 (VCV003365394.1).